The following is an entry in ClinVar:

NM_015662.3(IFT172):c.5105G>A (p.Arg1702Gln)

Genes: IFT172 (intraflagellar transport 172; minus strand), KRTCAP3 (keratinocyte associated protein 3; plus strand). Cytogenetic location: 2p23.3.
Variant type: single nucleotide variant.
Coding change: c.5105G>A on transcript NM_015662.3 (MANE Select); coding-DNA position 5105, G replaced by A.
Protein change: p.Arg1702Gln; replaces arginine 1702 with glutamine.
Molecular consequence: missense variant. On other transcripts: intron variant (1).
Genome position (GRCh38, 1-based): chr2:27,445,069, C>T on the plus strand (G>A on the coding strand, the complement: IFT172 is on the minus strand). VCF-style: chr2-27445069-C-T. GRCh37 (hg19) VCF-style: chr2-27667936-C-T.
Other names: c.5039G>A, p.Arg1680Gln (NM_001410739.1); c.*5+1008C>T (NM_001168364.2); short protein forms R1702Q, R1680Q.
Identifiers: ClinVar variation 1899315 (VCV001899315.4), dbSNP rs775719395, ClinGen allele CA44515387.

ClinVar aggregate classification (germline): Uncertain significance. Review status: criteria provided, multiple submitters, no conflicts (2 of 4 stars). 2 submissions from 2 submitters: Uncertain significance (2). Last evaluated 2025-02-11.

Conditions:
IFT172-related disorder. Also called: IFT172-related condition; IFT172-related disorders.
Short-rib thoracic dysplasia 10 with or without polydactyly (SRTD10). Identifiers: Orphanet 474, MedGen C3810175, MONDO:0014284, OMIM 615630.
Retinitis pigmentosa 71 (RP71). Identifiers: Orphanet 791, MedGen C4225342, MONDO:0014618, OMIM 616394.

Allele frequency attached by ClinVar (database versions not stated): TOPMed below 0.00001.
gnomAD v4.1: 16 of 1,614,022 alleles (0.00099%); highest among the groups gnomAD compares: Admixed American, 0.0017%; no homozygotes.

Submissions (2):

PreventionGenetics, part of Exact Sciences
Classification: Uncertain significance for IFT172-related condition. Last evaluated: 2025-02-11. Review status: criteria provided, single submitter. Criteria: ACMG Guidelines, 2015. Collection method: clinical testing. Allele origin: germline.
Comment: The IFT172 c.5105G>A variant is predicted to result in the amino acid substitution p.Arg1702Gln. To our knowledge, this variant has not been reported in the literature. This variant is reported in 0.00088% of alleles in individuals of European (Non-Finnish) descent in gnomAD. At this time, the clinical significance of this variant is uncertain due to the absence of conclusive functional and genetic evidence.

Labcorp Genetics (formerly Invitae), Labcorp
Classification: Uncertain significance for Retinitis pigmentosa 71; Short-rib thoracic dysplasia 10 with or without polydactyly. Last evaluated: 2022-10-17. Review status: criteria provided, single submitter. Criteria: Invitae Variant Classification Sherloc (09022015). Collection method: clinical testing. Allele origin: germline.
Comment: In summary, the available evidence is currently insufficient to determine the role of this variant in disease. Therefore, it has been classified as a Variant of Uncertain Significance. Advanced modeling of protein sequence and biophysical properties (such as structural, functional, and spatial information, amino acid conservation, physicochemical variation, residue mobility, and thermodynamic stability) performed at Invitae indicates that this missense variant is not expected to disrupt IFT172 protein function. This variant has not been reported in the literature in individuals affected with IFT172-related conditions. This variant is present in population databases (rs775719395, gnomAD 0.0009%). This sequence change replaces arginine, which is basic and polar, with glutamine, which is neutral and polar, at codon 1702 of the IFT172 protein (p.Arg1702Gln).